The following is an entry in ClinVar:

ClinVar aggregate classification (germline): Uncertain significance (1 of 4 stars; one submission).

Conditions:
Long QT syndrome (LQTS). Identifiers: MedGen C0023976, MeSH D008133, MONDO:0002442. Disease mechanism: loss of function. Inheritance: Various modes of inheritance.

Submission:

Labcorp Genetics (formerly Invitae), Labcorp
Classification: Uncertain significance for Long QT syndrome. Last evaluated: 2024-10-31. Review status: criteria provided, single submitter. Criteria: Invitae Variant Classification Sherloc (09022015). Collection method: clinical testing. Allele origin: germline.
Comment: This sequence change replaces aspartic acid, which is acidic and polar, with glycine, which is neutral and non-polar, at codon 2106 of the CACNA1C protein (p.Asp2106Gly). This variant is not present in population databases (gnomAD no frequency). This variant has not been reported in the literature in individuals affected with CACNA1C-related conditions. Invitae Evidence Modeling of protein sequence and biophysical properties (such as structural, functional, and spatial information, amino acid conservation, physicochemical variation, residue mobility, and thermodynamic stability) indicates that this missense variant is not expected to disrupt CACNA1C protein function with a negative predictive value of 95%. In summary, the available evidence is currently insufficient to determine the role of this variant in disease. Therefore, it has been classified as a Variant of Uncertain Significance.

NM_000719.7(CACNA1C):c.6317A>G (p.Asp2106Gly)

Genes: CACNA1C (calcium voltage-gated channel subunit alpha1 C; plus strand), CACNA1C-AS1 (CACNA1C antisense RNA 1; minus strand). Cytogenetic location: 12p13.33.
Variant type: single nucleotide variant.
Coding change: c.6317A>G on transcript NM_000719.7 (MANE Select); coding-DNA position 6317, A replaced by G.
Protein change: p.Asp2106Gly; replaces aspartic acid 2106 with glycine.
Molecular consequence: missense variant. On other transcripts: non-coding transcript variant (1).
Genome position (GRCh38, 1-based): chr12:2,691,099, A>G. VCF-style: chr12-2691099-A-G. GRCh37 (hg19) VCF-style: chr12-2800265-A-G.
Other names: c.6461A>G, p.Asp2154Gly (NM_001129827.2); c.6440A>G, p.Asp2147Gly (NM_001129829.2); c.6422A>G, p.Asp2141Gly (NM_001129830.3, NM_001167624.3); c.6401A>G, p.Asp2134Gly (NM_001129831.2); c.6377A>G, p.Asp2126Gly (NM_001129832.2); c.6374A>G, p.Asp2125Gly (NM_001129833.2, NM_001129834.2, NM_001129835.2); c.6317A>G, p.Asp2106Gly (NM_001129843.2, NM_001167623.2, NM_001129840.2 and 2 more transcripts); c.6308A>G, p.Asp2103Gly (NM_001129844.2); and 6 more; short protein forms D2095G, D2103G, D2106G, D2112G, D2114G, D2123G, D2125G, D2126G.
Identifiers: ClinVar variation 3605246 (VCV003605246.2).